The following is an entry in ClinVar:

NM_032043.3(BRIP1):c.1564T>C (p.Ser522Pro)

Gene: BRIP1 (BRCA1 interacting DNA helicase 1; minus strand). Cytogenetic location: 17q23.2.
Variant type: single nucleotide variant.
Coding change: c.1564T>C on transcript NM_032043.3 (MANE Select); coding-DNA position 1564, T replaced by C.
Protein change: p.Ser522Pro; replaces serine 522 with proline.
Molecular consequence: missense variant.
Genome position (GRCh38, 1-based): chr17:61,784,334, A>G on the plus strand (T>C on the coding strand, the complement: BRIP1 is on the minus strand). VCF-style: chr17-61784334-A-G. GRCh37 (hg19) VCF-style: chr17-59861695-A-G.
Other names: short protein forms S522P.
Identifiers: ClinVar variation 1020137 (VCV001020137.9), dbSNP rs2077669404, ClinGen allele CA400481140.
Genomic context (GRCh38, chr17:61,784,334, plus strand): 5'-TATTTTGCCTAAAAAGATAGTCAAGTACCATAAAAAGTCCTTTAAGCATTATTTGAGTTG[A>G]TGCACTAATAACAGGTACTTCTCTTGCCTCCTCTTTACCATAAATTGGTGAGATTTTTTC-3'
Protein context (NP_114432.2, residues 512-532): EAREVPVISA[Ser522Pro]TQIMLKGLFM

ClinVar aggregate classification (germline): Uncertain significance (1 of 4 stars; one submission).

Conditions:
Fanconi anemia complementation group J. Also called: BRIP1-Related Fanconi Anemia. Identifiers: Orphanet 84, MedGen C1836860, MONDO:0012187, OMIM 609054.
Familial cancer of breast. Also called: BREAST CANCER, FAMILIAL; hereditary breast carcinoma; Hereditary breast cancer. Identifiers: Orphanet 227535, MedGen C0346153, MONDO:0016419, OMIM 114480. Disease mechanism: loss of function.

Submission:

Labcorp Genetics (formerly Invitae), Labcorp
Classification: Uncertain significance for Familial cancer of breast; Fanconi anemia complementation group J. Last evaluated: 2022-08-09. Review status: criteria provided, single submitter. Criteria: Invitae Variant Classification Sherloc (09022015). Collection method: clinical testing. Allele origin: germline.
Comment: ClinVar contains an entry for this variant (Variation ID: 1020137). In summary, the available evidence is currently insufficient to determine the role of this variant in disease. Therefore, it has been classified as a Variant of Uncertain Significance. Algorithms developed to predict the effect of missense changes on protein structure and function (SIFT, PolyPhen-2, Align-GVGD) all suggest that this variant is likely to be tolerated. This variant has not been reported in the literature in individuals affected with BRIP1-related conditions. This variant is not present in population databases (gnomAD no frequency). This sequence change replaces serine, which is neutral and polar, with proline, which is neutral and non-polar, at codon 522 of the BRIP1 protein (p.Ser522Pro).